The following is an entry in ClinVar:

NM_000179.3(MSH6):c.2905T>C (p.Tyr969His)

Gene: MSH6 (mutS homolog 6; plus strand). Cytogenetic location: 2p16.3.
Variant type: single nucleotide variant.
Coding change: c.2905T>C on transcript NM_000179.3 (MANE Select); coding-DNA position 2905, T replaced by C.
Protein change: p.Tyr969His; replaces tyrosine 969 with histidine.
Molecular consequence: missense variant.
Genome position (GRCh38, 1-based): chr2:47,800,888, T>C. VCF-style: chr2-47800888-T-C. GRCh37 (hg19) VCF-style: chr2-48028027-T-C.
Other names: c.2515T>C, p.Tyr839His (NM_001281492.2); c.1999T>C, p.Tyr667His (NM_001281493.2, NM_001281494.2); short protein forms Y969H, Y667H, Y839H.
Identifiers: ClinVar variation 433916 (VCV000433916.10), dbSNP rs1348956744, ClinGen allele CA346756128.

ClinVar aggregate classification (germline): Likely pathogenic. Review status: criteria provided, single submitter (1 of 4 stars). 2 submissions from 2 submitters: Likely pathogenic (1). 1 of the submissions does not count toward it. Last evaluated 2020-10-21.

Conditions:
Hereditary nonpolyposis colorectal neoplasms. Identifiers: MedGen C0009405, MeSH D003123.
Carcinoma of colon (CRC). Also called: Colon carcinoma; Colonic carcinoma. Identifiers: MedGen C0699790, MONDO:0002032.

Allele frequency attached by ClinVar (database versions not stated): gnomAD exomes below 0.00001.
gnomAD v4.1: 1 of 1,605,078 alleles (0.000062%); highest among the groups gnomAD compares: South Asian, 0.0011%; no homozygotes.

Submissions (2):

Labcorp Genetics (formerly Invitae), Labcorp
Classification: Likely pathogenic for Hereditary nonpolyposis colorectal neoplasms. Last evaluated: 2020-10-21. Review status: criteria provided, single submitter. Criteria: Invitae Variant Classification Sherloc (09022015). Collection method: clinical testing. Allele origin: germline.
Comment: In summary, the currently available evidence indicates that the variant is pathogenic, but additional data are needed to prove that conclusively. Therefore, this variant has been classified as Likely Pathogenic. This variant disrupts the p.Tyr969 amino acid residue in MSH6. Other variant(s) that disrupt this residue have been determined to be pathogenic (PMID: 20587412, 16813607, 19723918, 23621914). This suggests that this residue is clinically significant, and that variants that disrupt this residue are likely to be disease-causing. Advanced modeling of protein sequence and biophysical properties (such as structural, functional, and spatial information, amino acid conservation, physicochemical variation, residue mobility, and thermodynamic stability) performed at Invitae indicates that this missense variant is expected to disrupt MSH6 protein function. This variant has not been reported in the literature in individuals with MSH6-related conditions. ClinVar contains an entry for this variant (Variation ID: 433916). This variant is not present in population databases (ExAC no frequency). This sequence change replaces tyrosine with histidine at codon 969 of the MSH6 protein (p.Tyr969His). The tyrosine residue is highly conserved and there is a moderate physicochemical difference between tyrosine and histidine.

Department of Pathology and Laboratory Medicine, Sinai Health System
Classification: Uncertain significance for Carcinoma of colon. Review status: no assertion criteria provided. Collection method: clinical testing. Allele origin: unknown. Affected: yes. Study: The Canadian Open Genetics Repository (COGR). Not counted in ClinVar's aggregate classification.
Comment: The MSH6 p.Tyr969His variant was not identified in the literature nor was it identified in the dbSNP, MutDB, NHLBI Exome Sequencing Project (Exome Variant Server), HGMD, â€šÃ„ÃºMismatch Repair Genes Variant Databaseâ€šÃ„Ã¹, â€šÃ„ÃºInSiGHT Colon Cancer Databaseâ€šÃ„Ã¹, â€šÃ„ÃºZhejiang Colon Cancer Databaseâ€šÃ„Ã¹, â€šÃ„ÃºMMR Gene Unclassified VariantsÂ¬â€ Databaseâ€šÃ„Ã¹, COSMIC, ClinVar and UMD databases. The p.Tyr969 residue is conserved across mammals, and four out of five computational analyses (PolyPhen-2, SIFT, AlignGVGD, BLOSUM, MutationTaster) suggest that the p.Tyr969His variant may impact the protein. However, this information is not predictive enough to assume pathogenicity. In summary, based on the above information, the clinical significance of this variant cannot be determined with certainty at this time. This variant is classified as a variant of unknown significance.

Literature cited by the submitters: PubMed 20587412 (cited by Labcorp Genetics (formerly Invitae), Labcorp); PubMed 16813607 (cited by Labcorp Genetics (formerly Invitae), Labcorp); PubMed 19723918 (cited by Labcorp Genetics (formerly Invitae), Labcorp); PubMed 23621914 (cited by Labcorp Genetics (formerly Invitae), Labcorp).